The following is an entry in ClinVar:

NM_139318.5(KCNH5):c.1363G>A (p.Val455Ile)

Gene: KCNH5 (potassium voltage-gated channel subfamily H member 5; minus strand). Cytogenetic location: 14q23.2.
Variant type: single nucleotide variant.
Coding change: c.1363G>A on transcript NM_139318.5 (MANE Select); coding-DNA position 1363, G replaced by A.
Protein change: p.Val455Ile; replaces valine 455 with isoleucine.
Molecular consequence: missense variant.
Genome position (GRCh38, 1-based): chr14:62,950,139, C>T on the plus strand (G>A on the coding strand, the complement: KCNH5 is on the minus strand). VCF-style: chr14-62950139-C-T. GRCh37 (hg19) VCF-style: chr14-63416857-C-T.
Other names: c.1363G>A, p.Val455Ile (NM_172375.3); short protein forms V455I.
Identifiers: ClinVar variation 846406 (VCV000846406.11), dbSNP rs1224129490, ClinGen allele CA390102677.

ClinVar aggregate classification (germline): Uncertain significance. Review status: criteria provided, multiple submitters, no conflicts (2 of 4 stars). 2 submissions from 2 submitters: Uncertain significance (2). Last evaluated 2026-03-05.

Conditions:
Early-infantile DEE. Also called: Early infantile epileptic encephalopathy with suppression bursts; Early infantile epileptic encephalopathy; Ohtahara syndrome. Identifiers: Orphanet 1934, MedGen C0393706, MONDO:0800491.

Allele frequency attached by ClinVar (database versions not stated): gnomAD exomes below 0.00001.
gnomAD v4.1: 3 of 1,613,574 alleles (0.00019%); highest among the groups gnomAD compares: Non-Finnish European, 0.00025%; no homozygotes.

Submissions (2):

GeneDx
Classification: Uncertain significance. Last evaluated: 2026-03-05. Review status: criteria provided, single submitter. Criteria: GeneDx Variant Classification Process June 2021. Collection method: clinical testing. Allele origin: germline.
Comment: In silico analysis suggests that this missense variant does not alter protein structure/function; Has not been previously published as pathogenic or benign to our knowledge

Labcorp Genetics (formerly Invitae), Labcorp
Classification: Uncertain significance for Early-infantile DEE. Last evaluated: 2019-01-19. Review status: criteria provided, single submitter. Criteria: Invitae Variant Classification Sherloc (09022015). Collection method: clinical testing. Allele origin: germline.
Comment: This variant is not present in population databases (ExAC no frequency). This sequence change replaces valine with isoleucine at codon 455 of the KCNH5 protein (p.Val455Ile). The valine residue is highly conserved and there is a small physicochemical difference between valine and isoleucine. This variant has not been reported in the literature in individuals with KCNH5-related conditions. Algorithms developed to predict the effect of missense changes on protein structure and function (SIFT, PolyPhen-2, Align-GVGD) all suggest that this variant is likely to be tolerated, but these predictions have not been confirmed by published functional studies and their clinical significance is uncertain. In summary, the available evidence is currently insufficient to determine the role of this variant in disease. Therefore, it has been classified as a Variant of Uncertain Significance.